The following is an entry in ClinVar:

NM_000154.2(GALK1):c.82C>T (p.Pro28Ser)

Gene: GALK1 (galactokinase 1; minus strand). Cytogenetic location: 17q25.1.
Variant type: single nucleotide variant.
Coding change: c.82C>T on transcript NM_000154.2 (MANE Select); coding-DNA position 82, C replaced by T.
Protein change: p.Pro28Ser; replaces proline 28 with serine.
Molecular consequence: missense variant.
Genome position (GRCh38, 1-based): chr17:75,765,055, G>A on the plus strand (C>T on the coding strand, the complement: GALK1 is on the minus strand). VCF-style: chr17-75765055-G-A. GRCh37 (hg19) VCF-style: chr17-73761136-G-A.
Other names: c.82C>T, p.Pro28Ser (NM_001381985.1); short protein forms P28S.
Identifiers: ClinVar variation 1015448 (VCV001015448.14), dbSNP rs104894572, ClinGen allele CA401109860.

ClinVar aggregate classification (germline): Uncertain significance. Review status: criteria provided, multiple submitters, no conflicts (2 of 4 stars). 2 submissions from 2 submitters: Uncertain significance (2). Last evaluated 2025-04-02.

Conditions:
Deficiency of galactokinase. Also called: GALACTOSEMIA II; Galactokinase deficiency with cataracts. Identifiers: Orphanet 352, Orphanet 79237, MedGen C0268155, MONDO:0009255, OMIM 230200.

Submissions (2):

Women's Health and Genetics/Laboratory Corporation of America, LabCorp
Classification: Uncertain significance. Last evaluated: 2025-04-02. Review status: criteria provided, single submitter. Criteria: LabCorp Variant Classification Summary - May 2015. Collection method: clinical testing. Allele origin: germline.
Comment: Variant summary: GALK1 c.82C>T (p.Pro28Ser) results in a non-conservative amino acid change in the encoded protein sequence. Five of five in-silico tools predict a damaging effect of the variant on protein function. The variant was absent in 223574 control chromosomes. The available data on variant occurrences in the general population are insufficient to allow any conclusion about variant significance. To our knowledge, no occurrence of c.82C>T in individuals affected with Deficiency Of Galactokinase and no experimental evidence demonstrating its impact on protein function have been reported. ClinVar contains an entry for this variant (Variation ID: 1015448). Based on the evidence outlined above, the variant was classified as uncertain significance.

Labcorp Genetics (formerly Invitae), Labcorp
Classification: Uncertain significance for Deficiency of galactokinase. Last evaluated: 2022-02-10. Review status: criteria provided, single submitter. Criteria: Invitae Variant Classification Sherloc (09022015). Collection method: clinical testing. Allele origin: germline.
Comment: This sequence change replaces proline, which is neutral and non-polar, with serine, which is neutral and polar, at codon 28 of the GALK1 protein (p.Pro28Ser). This variant is not present in population databases (gnomAD no frequency). This variant has not been reported in the literature in individuals affected with GALK1-related conditions. ClinVar contains an entry for this variant (Variation ID: 1015448). Algorithms developed to predict the effect of missense changes on protein structure and function are either unavailable or do not agree on the potential impact of this missense change (SIFT: "Tolerated"; PolyPhen-2: "Probably Damaging"; Align-GVGD: "Class C0"). This variant disrupts the p.Pro28 amino acid residue in GALK1. Other variant(s) that disrupt this residue have been determined to be pathogenic (PMID: 10521295, 10790206, 11978883, 11978884, 12647253, 21290184). This suggests that this residue is clinically significant, and that variants that disrupt this residue are likely to be disease-causing. In summary, the available evidence is currently insufficient to determine the role of this variant in disease. Therefore, it has been classified as a Variant of Uncertain Significance.

Literature cited by the submitters: PubMed 10521295 (cited by Labcorp Genetics (formerly Invitae), Labcorp); PubMed 10790206 (cited by Labcorp Genetics (formerly Invitae), Labcorp); PubMed 11978883 (cited by Labcorp Genetics (formerly Invitae), Labcorp); PubMed 11978884 (cited by Labcorp Genetics (formerly Invitae), Labcorp); PubMed 12647253 (cited by Labcorp Genetics (formerly Invitae), Labcorp); PubMed 21290184 (cited by Labcorp Genetics (formerly Invitae), Labcorp).